The following is an entry in ClinVar:

ClinVar aggregate classification (germline): Pathogenic (1 of 4 stars; one submission).

Conditions:
Mitochondrial DNA depletion syndrome. Also called: mitochondrial DNA depletion. Identifiers: Orphanet 35698, MedGen C0342782, MONDO:0018158.

Submission:

Women's Health and Genetics/Laboratory Corporation of America, LabCorp
Classification: Pathogenic for Mitochondrial DNA depletion syndrome. Last evaluated: 2024-10-14. Review status: criteria provided, single submitter. Criteria: LabCorp Variant Classification Summary - May 2015. Collection method: clinical testing. Allele origin: germline.
Comment: Variant summary: MPV17 c.125delG (p.Gly42ValfsX11) results in a premature termination codon, predicted to cause a truncation of the encoded protein or absence of the protein due to nonsense mediated decay, which are commonly known mechanisms for disease. The frequency data for this variant in gnomAD is considered unreliable, as metrics indicate poor data quality at this position. To our knowledge, no occurrence of c.125delG in individuals affected with Mitochondrial DNA Depletion Syndrome - MPV17 Related and no experimental evidence demonstrating its impact on protein function have been reported. No submitters have cited clinical-significance assessments for this variant to ClinVar. Based on the evidence outlined above, the variant was classified as pathogenic.

NM_002437.5(MPV17):c.125del (p.Gly42fs)

Gene: MPV17 (mitochondrial inner membrane protein MPV17; minus strand). Cytogenetic location: 2p23.3.
Variant type: Deletion.
Coding change: c.125del on transcript NM_002437.5 (MANE Select); coding-DNA position 125, one base deleted (G; older notation c.125delG).
Protein change: p.Gly42fs; shifts the reading frame from glycine 42.
Molecular consequence: frameshift variant.
Genome position (GRCh38, 1-based): chr2:27,313,055, C deleted on the plus strand (G on the coding strand, the reverse complement: MPV17 is on the minus strand); the first of 4 consecutive C bases (chr2:27,313,055-27,313,058); deleting any one gives the same sequence. VCF-style (leftmost placement, unchanged base first): chr2-27313054-AC-A. GRCh37 (hg19) VCF-style: chr2-27535921-AC-A.
Other names: c.125delG (NM_002437.5); short protein forms G42fs.
Identifiers: ClinVar variation 3384706 (VCV003384706.1).